The following is an entry in ClinVar:

NM_024503.5(HIVEP3):c.3856C>A (p.Arg1286=)

Gene: HIVEP3 (HIVEP zinc finger 3; minus strand). Cytogenetic location: 1p34.2.
Variant type: single nucleotide variant.
Coding change: c.3856C>A on transcript NM_024503.5 (MANE Select); coding-DNA position 3856, C replaced by A.
Protein change: p.Arg1286=; no amino-acid change (arginine 1286 retained).
Molecular consequence: synonymous variant.
Genome position (GRCh38, 1-based): chr1:41,580,942, G>T on the plus strand (C>A on the coding strand, the complement: HIVEP3 is on the minus strand). VCF-style: chr1-41580942-G-T. GRCh37 (hg19) VCF-style: chr1-42046613-G-T.
Other names: c.3856C>A, p.Arg1286= (NM_001127714.3).
Identifiers: ClinVar variation 402944 (VCV000402944.7), dbSNP rs12132697, ClinGen allele CA797794.

ClinVar aggregate classification (germline): Benign. Review status: criteria provided, multiple submitters, no conflicts (2 of 4 stars). 3 submissions from 3 submitters: Benign (2). 1 of the submissions does not count toward it. Last evaluated 2016-03-29.

Conditions:
HIVEP3-related disorder. Also called: HIVEP3-related condition.

Allele frequency attached by ClinVar (database versions not stated): 1000 Genomes Project 0.12121; 1000 Genomes Project 30x 0.12242; TOPMed 0.17313; gnomAD 0.18757; ESP Exome Variant Server 0.18845.
gnomAD v4.1: 381,619 of 1,611,188 alleles (24%); highest among the groups gnomAD compares: Non-Finnish European, 27%; 48,896 homozygotes.

Submissions (3):

Laboratory for Molecular Medicine, Mass General Brigham Personalized Medicine
Classification: Benign. Last evaluated: 2016-03-29. Review status: criteria provided, single submitter. Criteria: LMM Criteria. Collection method: clinical testing. Allele origin: germline.
Comment: Variant identified in a genome or exome case(s) and assessed due to predicted null impact of the variant or pathogenic assertions in the literature or databases. Disclaimer: This variant has not undergone full assessment. The following are preliminary notes: Frequency

Breakthrough Genomics
Classification: Benign. Review status: criteria provided, single submitter. Criteria: ACMG Guidelines, 2015. Collection method: not provided. Allele origin: germline. Inheritance: Unknown mechanism. Affected: yes.

PreventionGenetics, part of Exact Sciences
Classification: Benign for HIVEP3-related condition. Last evaluated: 2019-10-31. Review status: no assertion criteria provided. Collection method: clinical testing. Allele origin: germline. Not counted in ClinVar's aggregate classification.
Comment: This variant is classified as benign based on ACMG/AMP sequence variant interpretation guidelines (Richards et al. 2015 PMID: 25741868, with internal and published modifications).